The following is an entry in ClinVar:

NM_001377.3(DYNC2H1):c.12172_12180del (p.His4058_Lys4060del)

Gene: DYNC2H1 (dynein cytoplasmic 2 heavy chain 1; plus strand). Cytogenetic location: 11q22.3.
Variant type: Deletion.
Coding change: c.12172_12180del on transcript NM_001377.3 (MANE Select); coding-DNA positions 12172 to 12180, 9 bases deleted (CATCAGAAA; older notation c.12172_12180delCATCAGAAA).
Protein change: p.His4058_Lys4060del.
Molecular consequence: inframe deletion.
Genome position (GRCh38, 1-based): chr11:103,399,678-103,399,686, CATCAGAAA deleted; deleting any 9 consecutive bases within chr11:103,399,677-103,399,686 gives the same sequence; the c. name uses the placement nearest the transcript's 3' end. VCF-style (leftmost placement, unchanged base first): chr11-103399676-TACATCAGAA-T. GRCh37 (hg19) VCF-style: chr11-103270404-TACATCAGAA-T.
Other names: c.12193_12201del, p.His4065_Lys4067del (NM_001080463.2); c.12193_12201del (NM_001080463.1).
Identifiers: ClinVar variation 650045 (VCV000650045.8), dbSNP rs1591686031, ClinGen allele CA915947618.

ClinVar aggregate classification (germline): Uncertain significance (1 of 4 stars; one submission).

Conditions:
Jeune thoracic dystrophy. Also called: Jeune syndrome; Infantile thoracic dystrophy; Thoracic pelvic phalangeal dystrophy; Jeune's syndrome; Chondroectodermal dysplasia-like syndrome; Short-rib thoracic dysplasia. Identifiers: Orphanet 474, MedGen C0265275, MONDO:0018770.

Submission:

Labcorp Genetics (formerly Invitae), Labcorp
Classification: Uncertain significance for Jeune thoracic dystrophy. Last evaluated: 2021-08-27. Review status: criteria provided, single submitter. Criteria: Invitae Variant Classification Sherloc (09022015). Collection method: clinical testing. Allele origin: germline.
Comment: This variant, c.12193_12201del, results in the deletion of 3 amino acid(s) of the DYNC2H1 protein (p.His4065_Lys4067del), but otherwise preserves the integrity of the reading frame. This variant is not present in population databases (ExAC no frequency). This variant has not been reported in the literature in individuals affected with DYNC2H1-related conditions. Experimental studies and prediction algorithms are not available or were not evaluated, and the functional significance of this variant is currently unknown. In summary, the available evidence is currently insufficient to determine the role of this variant in disease. Therefore, it has been classified as a Variant of Uncertain Significance.